The following is an entry in ClinVar:

NM_000297.4(PKD2):c.2366T>C (p.Leu789Pro)

Gene: PKD2 (polycystin 2, transient receptor potential cation channel; plus strand). Cytogenetic location: 4q22.1.
Variant type: single nucleotide variant.
Coding change: c.2366T>C on transcript NM_000297.4 (MANE Select); coding-DNA position 2366, T replaced by C.
Protein change: p.Leu789Pro; replaces leucine 789 with proline.
Molecular consequence: missense variant. On other transcripts: non-coding transcript variant (1).
Genome position (GRCh38, 1-based): chr4:88,067,905, T>C. VCF-style: chr4-88067905-T-C. GRCh37 (hg19) VCF-style: chr4-88989057-T-C.
Other names: c.2366T>C (NM_000297.3); short protein forms L789P.
Identifiers: ClinVar variation 3680908 (VCV003680908.3).

ClinVar aggregate classification (germline): Uncertain significance. Review status: criteria provided, multiple submitters, no conflicts (2 of 4 stars). 2 submissions from 2 submitters: Uncertain significance (2). Last evaluated 2025-11-20.

Conditions:
Inborn genetic diseases. Identifiers: MedGen C0950123, MeSH D030342.
Autosomal dominant polycystic kidney disease. Identifiers: Orphanet 730, MedGen C0085413, MONDO:0004691.

gnomAD v4.1: 8 of 1,613,856 alleles (0.0005%); highest among the groups gnomAD compares: Non-Finnish European, 0.00068%; no homozygotes.

Submissions (2):

Ambry Genetics
Classification: Uncertain significance for Inborn genetic diseases. Last evaluated: 2025-11-20. Review status: criteria provided, single submitter. Criteria: Ambry Variant Classification Scheme 2023. Collection method: clinical testing. Allele origin: germline.

Labcorp Genetics (formerly Invitae), Labcorp
Classification: Uncertain significance for Autosomal dominant polycystic kidney disease. Last evaluated: 2024-09-19. Review status: criteria provided, single submitter. Criteria: Invitae Variant Classification Sherloc (09022015). Collection method: clinical testing. Allele origin: germline.
Comment: This sequence change replaces leucine, which is neutral and non-polar, with proline, which is neutral and non-polar, at codon 789 of the PKD2 protein (p.Leu789Pro). This variant is not present in population databases (gnomAD no frequency). This variant has not been reported in the literature in individuals affected with PKD2-related conditions. Invitae Evidence Modeling of protein sequence and biophysical properties (such as structural, functional, and spatial information, amino acid conservation, physicochemical variation, residue mobility, and thermodynamic stability) indicates that this missense variant is expected to disrupt PKD2 protein function with a positive predictive value of 80%. In summary, the available evidence is currently insufficient to determine the role of this variant in disease. Therefore, it has been classified as a Variant of Uncertain Significance.